The following is an entry in ClinVar:

ClinVar aggregate classification (germline): Uncertain significance. Review status: criteria provided, multiple submitters, no conflicts (2 of 4 stars). 2 submissions from 2 submitters: Uncertain significance (2). Last evaluated 2024-12-19.

Conditions:
Fanconi anemia complementation group J. Also called: BRIP1-Related Fanconi Anemia. Identifiers: Orphanet 84, MedGen C1836860, MONDO:0012187, OMIM 609054.
Familial cancer of breast. Also called: BREAST CANCER, FAMILIAL; Hereditary breast cancer; hereditary breast carcinoma. Identifiers: Orphanet 227535, MedGen C0346153, MONDO:0016419, OMIM 114480. Disease mechanism: loss of function.
Hereditary cancer-predisposing syndrome. Also called: Tumor predisposition; Neoplastic Syndromes, Hereditary; Hereditary Cancer Syndrome; Hereditary neoplastic syndrome. Identifiers: Orphanet 140162, MedGen C0027672, MeSH D009386, MONDO:0015356.

Allele frequency attached by ClinVar (database versions not stated): ExAC 0.00001.

Submissions (2):

Labcorp Genetics (formerly Invitae), Labcorp
Classification: Uncertain significance for Familial cancer of breast; Fanconi anemia complementation group J. Last evaluated: 2024-12-19. Review status: criteria provided, single submitter. Criteria: Invitae Variant Classification Sherloc (09022015). Collection method: clinical testing. Allele origin: germline.
Comment: This sequence change replaces isoleucine, which is neutral and non-polar, with valine, which is neutral and non-polar, at codon 610 of the BRIP1 protein (p.Ile610Val). This variant is present in population databases (rs749200646, gnomAD 0.0009%). This variant has not been reported in the literature in individuals affected with BRIP1-related conditions. ClinVar contains an entry for this variant (Variation ID: 1780874). Invitae Evidence Modeling of protein sequence and biophysical properties (such as structural, functional, and spatial information, amino acid conservation, physicochemical variation, residue mobility, and thermodynamic stability) indicates that this missense variant is not expected to disrupt BRIP1 protein function with a negative predictive value of 95%. In summary, the available evidence is currently insufficient to determine the role of this variant in disease. Therefore, it has been classified as a Variant of Uncertain Significance.

Ambry Genetics
Classification: Uncertain significance for Hereditary cancer-predisposing syndrome. Last evaluated: 2020-08-12. Review status: criteria provided, single submitter. Criteria: Ambry Variant Classification Scheme 2023. Collection method: clinical testing. Allele origin: germline.
Comment: The p.I610V variant (also known as c.1828A>G), located in coding exon 12 of the BRIP1 gene, results from an A to G substitution at nucleotide position 1828. The isoleucine at codon 610 is replaced by valine, an amino acid with highly similar properties. This amino acid position is well conserved in available vertebrate species. In addition, this alteration is predicted to be tolerated by in silico analysis. Since supporting evidence is limited at this time, the clinical significance of this alteration remains unclear.

NM_032043.3(BRIP1):c.1828A>G (p.Ile610Val)

Gene: BRIP1 (BRCA1 interacting DNA helicase 1; minus strand). Cytogenetic location: 17q23.2.
Variant type: single nucleotide variant.
Coding change: c.1828A>G on transcript NM_032043.3 (MANE Select); coding-DNA position 1828, A replaced by G.
Protein change: p.Ile610Val; replaces isoleucine 610 with valine.
Molecular consequence: missense variant.
Genome position (GRCh38, 1-based): chr17:61,780,368, T>C on the plus strand (A>G on the coding strand, the complement: BRIP1 is on the minus strand). VCF-style: chr17-61780368-T-C. GRCh37 (hg19) VCF-style: chr17-59857729-T-C.
Other names: short protein forms I610V.
Identifiers: ClinVar variation 1780874 (VCV001780874.5), dbSNP rs749200646, ClinGen allele CA8690641.